The following is an entry in ClinVar:

NM_006445.4(PRPF8):c.5508G>A (p.Leu1836=)

Gene: PRPF8 (pre-mRNA processing factor 8; minus strand). Cytogenetic location: 17p13.3.
Variant type: single nucleotide variant.
Coding change: c.5508G>A on transcript NM_006445.4 (MANE Select); coding-DNA position 5508, G replaced by A.
Protein change: p.Leu1836=; no amino-acid change (leucine 1836 retained).
Molecular consequence: synonymous variant.
Genome position (GRCh38, 1-based): chr17:1,656,759, C>T on the plus strand (G>A on the coding strand, the complement: PRPF8 is on the minus strand). VCF-style: chr17-1656759-C-T. GRCh37 (hg19) VCF-style: chr17-1560053-C-T.
Other names: c.5508G>A (NM_006445.3).
Identifiers: ClinVar variation 1911884 (VCV001911884.7), dbSNP rs778782948, ClinGen allele CA8271387.

ClinVar aggregate classification (germline): Uncertain significance. Review status: criteria provided, single submitter (1 of 4 stars). 2 submissions from 2 submitters: Uncertain significance (1). 1 of the submissions does not count toward it. Last evaluated 2024-09-17.

Conditions:
PRPF8-related disorder. Also called: PRPF8-related condition.

Allele frequency attached by ClinVar (database versions not stated): ExAC 0.00001; gnomAD 0.00001; gnomAD exomes 0.00001; TOPMed 0.00001.
gnomAD v4.1: 10 of 1,613,712 alleles (0.00062%); highest among the groups gnomAD compares: Non-Finnish European, 0.00085%; no homozygotes.

Submissions (3):

Labcorp Genetics (formerly Invitae), Labcorp
Classification: Uncertain significance. Last evaluated: 2024-09-17. Review status: criteria provided, single submitter. Criteria: Invitae Variant Classification Sherloc (09022015). Collection method: clinical testing. Allele origin: germline.
Comment: This sequence change affects codon 1836 of the PRPF8 mRNA. It is a 'silent' change, meaning that it does not change the encoded amino acid sequence of the PRPF8 protein. This variant is present in population databases (rs778782948, gnomAD 0.002%). This variant has not been reported in the literature in individuals affected with PRPF8-related conditions. ClinVar contains an entry for this variant (Variation ID: 1911884). Algorithms developed to predict the effect of sequence changes on RNA splicing suggest that this variant may create or strengthen a splice site. In summary, the available evidence is currently insufficient to determine the role of this variant in disease. Therefore, it has been classified as a Variant of Uncertain Significance.

PreventionGenetics, part of Exact Sciences
Classification: Uncertain significance for PRPF8-related condition. Last evaluated: 2024-09-10. Review status: no assertion criteria provided. Collection method: clinical testing. Allele origin: germline. Not counted in ClinVar's aggregate classification.
Comment: The PRPF8 c.5508G>A variant is not predicted to result in an amino acid change (p.=). This variant is predicted to create a cryptic splice acceptor site four nucleotides away from the canonical splice acceptor site (SpliceAI, Jaganathan et al. 2019. PubMed ID: 30661751). To our knowledge, this variant has not been reported in the literature. This variant is reported in 0.0023% of alleles in individuals of European (Non-Finnish) descent in gnomAD. At this time, the clinical significance of this variant is uncertain due to the absence of conclusive functional and genetic evidence.

Dr. Peter K. Rogan Lab, Western University
No classification provided (evidence only). Condition: Uterine corpus endometrial carcinoma. Review status: no classification provided. Collection method: in vitro. Allele origin: not applicable. Functional consequence: retained intron. Not counted in ClinVar's aggregate classification.